The following is an entry in ClinVar:

ClinVar aggregate classification (germline): Uncertain significance (1 of 4 stars; one submission).

gnomAD v4.1: 2 of 1,611,762 alleles (0.00012%); highest among the groups gnomAD compares: African/African-American, 0.0027%; no homozygotes.

Submission:

Labcorp Genetics (formerly Invitae), Labcorp
Classification: Uncertain significance. Last evaluated: 2024-01-29. Review status: criteria provided, single submitter. Criteria: Invitae Variant Classification Sherloc (09022015). Collection method: clinical testing. Allele origin: germline.
Comment: This sequence change replaces glycine, which is neutral and non-polar, with aspartic acid, which is acidic and polar, at codon 527 of the KRT5 protein (p.Gly527Asp). This variant is present in population databases (no rsID available, gnomAD 0.01%). This variant has not been reported in the literature in individuals affected with KRT5-related conditions. Advanced modeling of protein sequence and biophysical properties (such as structural, functional, and spatial information, amino acid conservation, physicochemical variation, residue mobility, and thermodynamic stability) performed at Invitae indicates that this missense variant is not expected to disrupt KRT5 protein function with a negative predictive value of 95%. In summary, the available evidence is currently insufficient to determine the role of this variant in disease. Therefore, it has been classified as a Variant of Uncertain Significance.

NM_000424.4(KRT5):c.1580G>A (p.Gly527Asp)

Gene: KRT5 (keratin 5; minus strand). Cytogenetic location: 12q13.13.
Variant type: single nucleotide variant.
Coding change: c.1580G>A on transcript NM_000424.4 (MANE Select); coding-DNA position 1580, G replaced by A.
Protein change: p.Gly527Asp; replaces glycine 527 with aspartic acid.
Molecular consequence: missense variant.
Genome position (GRCh38, 1-based): chr12:52,515,135, C>T on the plus strand (G>A on the coding strand, the complement: KRT5 is on the minus strand). VCF-style: chr12-52515135-C-T. GRCh37 (hg19) VCF-style: chr12-52908919-C-T.
Other names: short protein forms G527D.
Identifiers: ClinVar variation 2796941 (VCV002796941.3), dbSNP rs200188533, ClinGen allele CA384922092.